The following is an entry in ClinVar:

NM_001904.4(CTNNB1):c.2098A>C (p.Ile700Leu)

Gene: CTNNB1 (catenin beta 1; plus strand). Cytogenetic location: 3p22.1.
Variant type: single nucleotide variant.
Coding change: c.2098A>C on transcript NM_001904.4 (MANE Select); coding-DNA position 2098, A replaced by C.
Protein change: p.Ile700Leu; replaces isoleucine 700 with leucine.
Molecular consequence: missense variant.
Genome position (GRCh38, 1-based): chr3:41,238,037, A>C. VCF-style: chr3-41238037-A-C. GRCh37 (hg19) VCF-style: chr3-41279528-A-C.
Other names: c.2098A>C, p.Ile700Leu (NM_001098209.2, NM_001098210.2); c.2077A>C, p.Ile693Leu (NM_001330729.2); short protein forms I693L, I700L.
Identifiers: ClinVar variation 1929667 (VCV001929667.5), dbSNP rs772910638, ClinGen allele CA2331269.

ClinVar aggregate classification (germline): Uncertain significance (1 of 4 stars; one submission).

Allele frequency attached by ClinVar (database versions not stated): ExAC 0.00001; gnomAD exomes 0.00001.
gnomAD v4.1: 5 of 1,613,970 alleles (0.00031%); highest among the groups gnomAD compares: Admixed American, 0.0083%; no homozygotes.

Submission:

Labcorp Genetics (formerly Invitae), Labcorp
Classification: Uncertain significance. Last evaluated: 2022-11-24. Review status: criteria provided, single submitter. Criteria: Invitae Variant Classification Sherloc (09022015). Collection method: clinical testing. Allele origin: germline.
Comment: This variant is present in population databases (rs772910638, gnomAD 0.01%). In summary, the available evidence is currently insufficient to determine the role of this variant in disease. Therefore, it has been classified as a Variant of Uncertain Significance. Advanced modeling of protein sequence and biophysical properties (such as structural, functional, and spatial information, amino acid conservation, physicochemical variation, residue mobility, and thermodynamic stability) performed at Invitae indicates that this missense variant is not expected to disrupt CTNNB1 protein function. This variant has not been reported in the literature in individuals affected with CTNNB1-related conditions. This sequence change replaces isoleucine, which is neutral and non-polar, with leucine, which is neutral and non-polar, at codon 700 of the CTNNB1 protein (p.Ile700Leu).